The following is an entry in ClinVar:

ClinVar aggregate classification (germline): Pathogenic (1 of 4 stars; one submission).

Conditions:
Mucopolysaccharidosis, MPS-II (MPS2). Also called: Hunter Syndrome; IDURONATE 2-SULFATASE DEFICIENCY; Mucopolysaccharidosis Type II; Mucopolysaccharidosis type 2; Attenuated MPS (subtype; formerly known as mild MPS II); Severe MPS II. Identifiers: Orphanet 580, Orphanet 79388, MedGen C0026705, MONDO:0010674, OMIM 309900.

Submission:

Laboratory of Diagnosis and Therapy of Lysosomal Disorders, University of Padova
Classification: Pathogenic for Mucopolysaccharidosis, MPS-II. Last evaluated: 2024-06-07. Review status: criteria provided, single submitter. Criteria: ACMG Guidelines, 2015. Collection method: literature only. Allele origin: germline. Affected: yes. Observed: 1 variant allele.
Comment: Null variant (PVS1_VeryStrong), Absent from controls (or at low frequency) in gnomAD database (PM2_Moderate), Patient’s phenotype or family history highly specific for the disease (PP4_Strong)

Classification method: ACMG Guidelines [PMID:25741868] with modifications

Literature cited by the submitters: PubMed 10447264.

NM_000202.8(IDS):c.957_958insT (p.Asp320Ter)

Genes: IDS (iduronate 2-sulfatase; minus strand), LOC106050102 (IDS recombination region; plus strand). Cytogenetic location: Xq28.
Variant type: Insertion.
Coding change: c.957_958insT on transcript NM_000202.8 (MANE Select); coding-DNA positions 957 to 958, T inserted.
Protein change: p.Asp320Ter; replaces aspartic acid 320 with a stop codon.
Molecular consequence: nonsense. On other transcripts: non-coding transcript variant (1).
Genome position: GRCh38 VCF-style: chrX-149490362-C-CA. GRCh37 (hg19) VCF-style: chrX-148571893-C-CA.
Other names: c.957_958insT, p.Asp320Ter (NM_006123.5); c.687_688insT, p.Asp230Ter (NM_001166550.4); short protein forms D230*, D320*.
Identifiers: ClinVar variation 3255892 (VCV003255892.2).